The following is an entry in ClinVar:

ClinVar aggregate classification (germline): Pathogenic (1 of 4 stars; one submission).

Submission:

Labcorp Genetics (formerly Invitae), Labcorp
Classification: Pathogenic. Last evaluated: 2019-11-04. Review status: criteria provided, single submitter. Criteria: Invitae Variant Classification Sherloc (09022015). Collection method: clinical testing. Allele origin: germline.
Comment: This sequence change creates a premature translational stop signal (p.Gly170*) in the TGM1 gene. It is expected to result in an absent or disrupted protein product. For these reasons, this variant has been classified as Pathogenic. Loss-of-function variants in TGM1 are known to be pathogenic (PMID: 18948357, 19241467). Algorithms developed to predict the effect of sequence changes on RNA splicing suggest that this variant may disrupt the consensus splice site, but this prediction has not been confirmed by published transcriptional studies. This variant has not been reported in the literature in individuals with TGM1-related conditions. This variant is not present in population databases (ExAC no frequency).

Literature cited by the submitters: PubMed 18948357; PubMed 19241467.

NM_000359.3(TGM1):c.508G>T (p.Gly170Ter)

Gene: TGM1 (transglutaminase 1; minus strand). Cytogenetic location: 14q12.
Variant type: single nucleotide variant.
Coding change: c.508G>T on transcript NM_000359.3 (MANE Select); coding-DNA position 508, G replaced by T.
Protein change: p.Gly170Ter; replaces glycine 170 with a stop codon.
Molecular consequence: nonsense.
Genome position (GRCh38, 1-based): chr14:24,261,695, C>A on the plus strand (G>T on the coding strand, the complement: TGM1 is on the minus strand). VCF-style: chr14-24261695-C-A. GRCh37 (hg19) VCF-style: chr14-24730901-C-A.
Other names: short protein forms G170*.
Identifiers: ClinVar variation 959945 (VCV000959945.7), dbSNP rs1298543276, ClinGen allele CA389276676.